The following is an entry in ClinVar:

NM_078480.3(PUF60):c.510+1G>A

Gene: PUF60 (poly(U) binding splicing factor 60; minus strand). Cytogenetic location: 8q24.3.
Variant type: single nucleotide variant.
Coding change: c.510+1G>A on transcript NM_078480.3 (MANE Select); the canonical splice donor site of the intron after coding-DNA position 510, G replaced by A.
Molecular consequence: splice donor variant.
Genome position (GRCh38, 1-based): chr8:143,818,372, C>T on the plus strand (G>A on the coding strand, the complement: PUF60 is on the minus strand). VCF-style: chr8-143818372-C-T. GRCh37 (hg19) VCF-style: chr8-144900542-C-T.
Other names: c.372+1G>A (NM_001271097.2); c.423+1G>A (NM_001271099.2); c.456+1G>A (NM_001271096.2); c.507+1G>A (NM_001271098.2); c.459+1G>A (NM_014281.5); c.330+1G>A (NM_001271100.2); c.381+1G>A (NM_001136033.3); c.570+1G>A (NM_001362897.2); and 1 more.
Identifiers: ClinVar variation 1699420 (VCV001699420.4), dbSNP rs1816618311, ClinGen allele CA372492861.

ClinVar aggregate classification (germline): Pathogenic/Likely pathogenic. Review status: criteria provided, multiple submitters, no conflicts (2 of 4 stars). 2 submissions from 2 submitters: Pathogenic (1); Likely pathogenic (1). Last evaluated 2022-02-02.

Conditions:
PUF60-related disorder. Also called: PUF60-related condition.
8q24.3 microdeletion syndrome. Also called: Verheij syndrome; CHROMOSOME 8q24.3 DELETION SYNDROME. Identifiers: Orphanet 508488, MedGen C3810023, MONDO:0014263, OMIM 615583.

Submissions (2):

Victorian Clinical Genetics Services, Murdoch Childrens Research Institute
Classification: Pathogenic for 8q24.3 microdeletion syndrome. Last evaluated: 2022-02-02. Review status: criteria provided, single submitter. Criteria: ACMG Guidelines, 2015. Collection method: clinical testing. Allele origin: germline. Inheritance: Autosomal dominant inheritance. Affected: yes.
Comment: Based on the classification scheme VCGS_Germline_v1.3.4, this variant is classified as Pathogenic. Following criteria are met: 0102 - Loss of function is a known mechanism of disease in this gene and is associated with Verheij syndrome (MIM# 615583). (I) 0107 - This gene is associated with autosomal dominant disease. (I) 0211 - Canonical splice site variant without proven consequence on splicing (no functional evidence available). (SP) 0251 - This variant is heterozygous. (I) 0301 - Variant is absent from gnomAD (both v2 and v3). (SP) 0505 - Abnormal splicing is predicted by in silico tools and affected nucleotide is highly conserved. (SP) 0704 - Another splice site variant comparable to the one identified in this case has limited previous evidence for pathogenicity. c.510+1G>T has been classified as pathogenic by a diagnostic laboratory in ClinVar. (SP) 0807 - This variant has no previous evidence of pathogenicity. (I) 0905 - No published segregation evidence has been identified for this variant. (I) 1007 - No published functional evidence has been identified for this variant. (SP) Legend: (SP) - Supporting pathogenic, (I) - Information, (SB) - Supporting benign

Blueprint Genetics
Classification: Likely pathogenic for PUF60-related disorders. Last evaluated: 2021-05-31. Review status: criteria provided, single submitter. Criteria: ACMG Guidelines, 2015. Collection method: clinical testing. Allele origin: germline. Affected: yes. Observed: 1 variant allele.